The following is an entry in ClinVar:

NM_004006.3(DMD):c.8757C>T (p.Asn2919=)

Gene: DMD (dystrophin; minus strand). Cytogenetic location: Xp21.2.
Variant type: single nucleotide variant.
Coding change: c.8757C>T on transcript NM_004006.3 (MANE Select); coding-DNA position 8757, C replaced by T.
Protein change: p.Asn2919=; no amino-acid change (asparagine 2919 retained).
Molecular consequence: synonymous variant.
Genome position (GRCh38, 1-based): chrX:31,478,286, G>A on the plus strand (C>T on the coding strand, the complement: DMD is on the minus strand). VCF-style: chrX-31478286-G-A. GRCh37 (hg19) VCF-style: chrX-31496403-G-A.
Other names: c.8733C>T, p.Asn2911= (NM_000109.4); c.8745C>T, p.Asn2915= (NM_004009.3); c.8388C>T, p.Asn2796= (NM_004010.3); c.4734C>T, p.Asn1578= (NM_004011.4); c.4725C>T, p.Asn1575= (NM_004012.4); c.1377C>T, p.Asn459= (NM_004013.3, NM_004020.4, NM_004021.3 and 2 more transcripts); c.570C>T, p.Asn190= (NM_004014.3).
Identifiers: ClinVar variation 283068 (VCV000283068.16), dbSNP rs753234741, ClinGen allele CA10377992.

ClinVar aggregate classification (germline): Benign/Likely benign. Review status: criteria provided, multiple submitters, no conflicts (2 of 4 stars). 6 submissions from 6 submitters: Benign (2); Likely benign (3). 1 of the submissions does not count toward it. Last evaluated 2026-02-01.

Conditions:
Cardiovascular phenotype. Identifiers: MedGen CN230736.
Cardiomyopathy (CMYO). Also called: Cardiomyopathies. Identifiers: Orphanet 167848, MedGen C0878544, MONDO:0004994, HP:0001638. Inheritance: Various modes of inheritance.
Becker muscular dystrophy (BMD). Also called: MUSCULAR DYSTROPHY, PSEUDOHYPERTROPHIC PROGRESSIVE, BECKER TYPE; Becker Muscular Dystrophy (BMD). Identifiers: Orphanet 98895, MedGen C0917713, MONDO:0010311, OMIM 300376.
Duchenne muscular dystrophy (DMD). Also called: Duchenne Muscular Dystrophy (DMD); MUSCULAR DYSTROPHY, PSEUDOHYPERTROPHIC PROGRESSIVE, DUCHENNE TYPE. Identifiers: Orphanet 98896, MedGen C0013264, MONDO:0010679, OMIM 310200.
Dystrophin deficiency.

Allele frequency attached by ClinVar (database versions not stated): gnomAD below 0.00001 and 0.00006; TOPMed 0.00001; gnomAD exomes 0.00010 and 0.00016; ExAC 0.00015; 1000 Genomes Project 0.00053; 1000 Genomes Project 30x 0.00062.
gnomAD v4.1: 122 of 1,209,282 alleles (0.01%); highest among the groups gnomAD compares: South Asian, 0.2%; no homozygotes.

Submissions (6):

Labcorp Genetics (formerly Invitae), Labcorp
Classification: Benign for Duchenne muscular dystrophy. Last evaluated: 2026-02-01. Review status: criteria provided, single submitter. Criteria: Invitae Variant Classification Sherloc (09022015). Collection method: clinical testing. Allele origin: germline.

Ambry Genetics
Classification: Likely benign for Cardiovascular phenotype. Last evaluated: 2024-12-07. Review status: criteria provided, single submitter. Criteria: Ambry Variant Classification Scheme 2023. Collection method: clinical testing. Allele origin: germline.

Athena Diagnostics
Classification: Benign. Last evaluated: 2024-05-23. Review status: criteria provided, single submitter. Criteria: Athena Diagnostics Criteria. Collection method: clinical testing. Allele origin: unknown.

GeneDx
Classification: Likely benign. Last evaluated: 2016-12-13. Review status: criteria provided, single submitter. Criteria: GeneDx Variant Classification (06012015). Collection method: clinical testing. Allele origin: germline. Affected: yes.
Comment: This variant is considered likely benign or benign based on one or more of the following criteria: it is a conservative change, it occurs at a poorly conserved position in the protein, it is predicted to be benign by multiple in silico algorithms, and/or has population frequency not consistent with disease.

Eurofins Ntd Llc (ga)
Classification: Likely benign. Last evaluated: 2015-09-03. Review status: criteria provided, single submitter. Criteria: EGL Classification Definitions 2015. Collection method: clinical testing. Allele origin: germline. Observed: 1 variant allele, 1 heterozygote.

Natera, Inc.
Classification: Likely benign for Becker muscular dystrophy; Cardiomyopathy; Duchenne muscular dystrophy; Dystrophin deficiency. Last evaluated: 2017-04-21. Review status: no assertion criteria provided. Collection method: clinical testing. Allele origin: germline. Not counted in ClinVar's aggregate classification.